The following is an entry in ClinVar:

NM_013275.6(ANKRD11):c.7445C>A (p.Pro2482Gln)

Gene: ANKRD11 (ankyrin repeat domain 11; minus strand). Cytogenetic location: 16q24.3.
Variant type: single nucleotide variant.
Coding change: c.7445C>A on transcript NM_013275.6 (MANE Select); coding-DNA position 7445, C replaced by A.
Protein change: p.Pro2482Gln; replaces proline 2482 with glutamine.
Molecular consequence: missense variant.
Genome position (GRCh38, 1-based): chr16:89,279,097, G>T on the plus strand (C>A on the coding strand, the complement: ANKRD11 is on the minus strand). VCF-style: chr16-89279097-G-T. GRCh37 (hg19) VCF-style: chr16-89345505-G-T.
Other names: c.7445C>A, p.Pro2482Gln (NM_001256182.2, NM_001256183.2); short protein forms P2482Q.
Identifiers: ClinVar variation 2505907 (VCV002505907.3), dbSNP rs1339396254, ClinGen allele CA397148333.

ClinVar aggregate classification (germline): Uncertain significance (1 of 4 stars; one submission).

Submission:

GeneDx
Classification: Uncertain significance. Last evaluated: 2026-10-03. Review status: criteria provided, single submitter. Criteria: GeneDx Variant Classification Process June 2021. Collection method: clinical testing. Allele origin: germline.
Comment: Not observed at significant frequency in large population cohorts (gnomAD); In silico analysis supports that this missense variant has a deleterious effect on protein structure/function; Has not been previously published as pathogenic or benign to our knowledge